The following is an entry in ClinVar:

NM_003383.5(VLDLR):c.1005C>T (p.Ser335=)

Gene: VLDLR (very low density lipoprotein receptor; plus strand). Cytogenetic location: 9p24.2.
Variant type: single nucleotide variant.
Coding change: c.1005C>T on transcript NM_003383.5 (MANE Select); coding-DNA position 1005, C replaced by T.
Protein change: p.Ser335=; no amino-acid change (serine 335 retained).
Molecular consequence: synonymous variant.
Genome position (GRCh38, 1-based): chr9:2,643,898, C>T. VCF-style: chr9-2643898-C-T. GRCh37 (hg19) VCF-style: chr9-2643898-C-T.
Other names: c.1005C>T, p.Ser335= (NM_001018056.3); c.882C>T, p.Ser294= (NM_001322225.2, NM_001322226.2).
Identifiers: ClinVar variation 4682039 (VCV004682039.5).

ClinVar aggregate classification (germline): Likely benign (1 of 4 stars; one submission).

Submission:

CeGaT Center for Human Genetics Tuebingen
Classification: Likely benign. Last evaluated: 2025-12-01. Review status: criteria provided, single submitter. Criteria: CeGaT Center For Human Genetics Tuebingen Variant Classification Criteria Version 2. Collection method: clinical testing. Allele origin: germline. Affected: yes. Observed: 1 variant allele.
Comment: VLDLR: PM2:Supporting, BP4, BP7